The following is an entry in ClinVar:

ClinVar aggregate classification (germline): Conflicting classifications of pathogenicity. Review status: criteria provided, conflicting classifications (1 of 4 stars). 3 submissions from 3 submitters: Likely pathogenic (2); Uncertain significance (1). Last evaluated 2025-08-22.

Conditions:
Leukodystrophy, hypomyelinating, 17. Identifiers: MedGen C4693912, MONDO:0054817, OMIM 618006.
AIMP2-related disorder. Also called: AIMP2-related condition.

Submissions (3):

PreventionGenetics, part of Exact Sciences
Classification: Uncertain significance for AIMP2-related condition. Last evaluated: 2025-08-22. Review status: criteria provided, single submitter. Criteria: ACMG Guidelines, 2015. Collection method: clinical testing. Allele origin: germline.
Comment: The AIMP2 c.656_659delCTCT variant is predicted to result in a frameshift and premature protein termination (p.Ser219Cysfs*14). To our knowledge, this variant has not been reported in the literature. This variant is reported in 0.032% of alleles in individuals of African descent in gnomAD. Although we suspect that this variant may be pathogenic, at this time, the clinical significance of this variant is uncertain due to the absence of conclusive functional and genetic evidence.

Breakthrough Genomics
Classification: Likely pathogenic for Leukodystrophy, hypomyelinating, 17. Last evaluated: 2021-12-17. Review status: criteria provided, single submitter. Criteria: ACMG Guidelines, 2015. Collection method: clinical testing. Allele origin: germline. Affected: yes.
Comment: This variant has not been previously reported in the literature. However, several other truncating/non sense have been previously reported as pathogenic in the context of inborn genetic diseases in the ClinVar database.

Illumina Laboratory Services, Illumina
Classification: Likely pathogenic for Leukodystrophy, hypomyelinating, 17. Last evaluated: 2021-08-21. Review status: criteria provided, single submitter. Criteria: ICSLVariantClassificationCriteria RUGD 01 April 2020. Collection method: clinical testing. Allele origin: unknown.
Comment: The AIMP2 c.656_659del (p.Ser219CysfsTer14) variant causes a shift in the protein reading frame that is predicted to result in premature termination of the protein. Loss of normal protein function through either protein truncation or nonsense-mediated mRNA decay is expected. To our knowledge, this variant has not been reported in the peer-reviewed literature and is not observed at a significant frequency in version 2.1.1 or version 3.1.2 of the Genome Aggregation Database. Based on the available evidence the c.656_659del (p.Ser219CysfsTer14) variant is classified as likely pathogenic for hypomyelinating leukodystrophy.

NM_006303.4(AIMP2):c.656_659del (p.Ser219fs)

Genes: EIF2AK1 (eukaryotic translation initiation factor 2 alpha kinase 1; minus strand), AIMP2 (aminoacyl tRNA synthetase complex interacting multifunctional protein 2; plus strand). Cytogenetic location: 7p22.1.
Variant type: Microsatellite.
Coding change: c.656_659del on transcript NM_006303.4 (MANE Select); coding-DNA positions 656 to 659, 4 bases deleted (CTCT; older notation c.656_659delCTCT).
Protein change: p.Ser219fs; shifts the reading frame from serine 219.
Molecular consequence: frameshift variant. On other transcripts: 3 prime UTR variant (2).
Genome position (GRCh38, 1-based): chr7:6,023,384-6,023,387, CTCT deleted; deleting any 4 consecutive bases within chr7:6,023,381-6,023,387 gives the same sequence; the c. name uses the placement nearest the transcript's 3' end. VCF-style (leftmost placement, unchanged base first): chr7-6023380-TTCTC-T. GRCh37 (hg19) VCF-style: chr7-6063011-TTCTC-T.
Other names: p.Ser219CysfsTer14; c.656_659delCTCT (NM_006303.3); c.*1287GA[1] (NM_001134335.2, NM_014413.4); c.536_539del, p.Ser179fs (NM_001326606.2); c.449_452del, p.Ser150fs (NM_001326607.2); c.422_425del, p.Ser141fs (NM_001326609.2, NM_001326610.2, NM_001326611.3); c.569_572del, p.Ser190fs (NM_001362785.2); c.524_527del, p.Ser175fs (NM_001362787.2); short protein forms S141fs, S150fs, S175fs, S179fs, S190fs, S219fs.
Identifiers: ClinVar variation 3062023 (VCV003062023.4), dbSNP rs760123492, ClinGen allele CA4150441.